The following is an entry in ClinVar:

ClinVar aggregate classification (germline): Uncertain significance (1 of 4 stars; one submission).

Submission:

Ambry Genetics
Classification: Uncertain significance. Last evaluated: 2024-03-23. Review status: criteria provided, single submitter. Criteria: Ambry Variant Classification Scheme 2023. Collection method: clinical testing. Allele origin: germline.
Comment: The p.A1177G variant (also known as c.3530C>G), located in coding exon 4 of the ALPK2 gene, results from a C to G substitution at nucleotide position 3530. The alanine at codon 1177 is replaced by glycine, an amino acid with similar properties. This amino acid position is conserved. In addition, this alteration is predicted to be tolerated by in silico analysis. Based on the available evidence, the clinical significance of this alteration remains unclear.

NM_052947.4(ALPK2):c.3530C>G (p.Ala1177Gly)

Gene: ALPK2 (alpha kinase 2; minus strand). Cytogenetic location: 18q21.31.
Variant type: single nucleotide variant.
Coding change: c.3530C>G on transcript NM_052947.4 (MANE Select); coding-DNA position 3530, C replaced by G.
Protein change: p.Ala1177Gly; replaces alanine 1177 with glycine.
Molecular consequence: missense variant.
Genome position (GRCh38, 1-based): chr18:58,536,657, G>C on the plus strand (C>G on the coding strand, the complement: ALPK2 is on the minus strand). VCF-style: chr18-58536657-G-C. GRCh37 (hg19) VCF-style: chr18-56203889-G-C.
Other names: short protein forms A1177G.
Identifiers: ClinVar variation 3289851 (VCV003289851.1).
Genomic context (GRCh38, chr18:58,536,657, plus strand): 5'-GCCACCACGGAGACCCTCGTCCCCCAACCTGAGCGCTGCCCTGCTCCTTCCCTAGAGCTT[G>C]CGGGTGAGTGGGCCGTGGGCACCAAGTTTCTTTCCTCTTGTGCAGCAGATGTCGTAGGCA-3'
Protein context (NP_443179.3, residues 1167-1187): RNLVPTAHSP[Ala1177Gly]SSREGAGQRS